The following is an entry in ClinVar:

NM_001375808.2(LPIN2):c.413C>T (p.Ser138Leu)

Gene: LPIN2 (lipin 2; minus strand). Cytogenetic location: 18p11.31.
Variant type: single nucleotide variant.
Coding change: c.413C>T on transcript NM_001375808.2 (MANE Select); coding-DNA position 413, C replaced by T.
Protein change: p.Ser138Leu; replaces serine 138 with leucine.
Molecular consequence: missense variant.
Genome position (GRCh38, 1-based): chr18:2,951,232, G>A on the plus strand (C>T on the coding strand, the complement: LPIN2 is on the minus strand). VCF-style: chr18-2951232-G-A. GRCh37 (hg19) VCF-style: chr18-2951230-G-A.
Other names: c.413C>T, p.Ser138Leu (NM_001375809.1, NM_014646.2); short protein forms S138L.
Identifiers: ClinVar variation 1716712 (VCV001716712.6), dbSNP rs1295935002, ClinGen allele CA401709124.

ClinVar aggregate classification (germline): Uncertain significance (1 of 4 stars; one submission).

Conditions:
Majeed syndrome (MJDS). Also called: LPIN2-Related Majeed Syndrome; CHRONIC RECURRENT MULTIFOCAL OSTEOMYELITIS 1, WITH CONGENITAL DYSERYTHROPOIETIC ANEMIA, WITH OR WITHOUT NEUTROPHILIC DERMATOSIS. Identifiers: Orphanet 77297, MedGen C1864997, MONDO:0012316, OMIM 609628.

Allele frequency attached by ClinVar (database versions not stated): gnomAD exomes below 0.00001; TOPMed below 0.00001.
gnomAD v4.1: 1 of 1,614,096 alleles (0.000062%); highest among the groups gnomAD compares: Non-Finnish European, 0.000085%; no homozygotes.

Submission:

Labcorp Genetics (formerly Invitae), Labcorp
Classification: Uncertain significance for Majeed syndrome. Last evaluated: 2022-08-19. Review status: criteria provided, single submitter. Criteria: Invitae Variant Classification Sherloc (09022015). Collection method: clinical testing. Allele origin: germline.
Comment: This variant is not present in population databases (gnomAD no frequency). This variant has not been reported in the literature in individuals affected with LPIN2-related conditions. Algorithms developed to predict the effect of missense changes on protein structure and function (SIFT, PolyPhen-2, Align-GVGD) all suggest that this variant is likely to be tolerated. In summary, the available evidence is currently insufficient to determine the role of this variant in disease. Therefore, it has been classified as a Variant of Uncertain Significance. This sequence change replaces serine, which is neutral and polar, with leucine, which is neutral and non-polar, at codon 138 of the LPIN2 protein (p.Ser138Leu).